The following is an entry in ClinVar:

ClinVar aggregate classification (germline): Likely benign (1 of 4 stars; one submission).

gnomAD v4.1: 4 of 1,475,882 alleles (0.00027%); highest among the groups gnomAD compares: African/African-American, 0.0044%; no homozygotes.

Submission:

CeGaT Center for Human Genetics Tuebingen
Classification: Likely benign. Last evaluated: 2025-04-01. Review status: criteria provided, single submitter. Criteria: CeGaT Center For Human Genetics Tuebingen Variant Classification Criteria Version 2. Collection method: clinical testing. Allele origin: germline. Affected: yes. Observed: 1 variant allele.
Comment: CACNA1I: BP4, BP7

NM_021096.4(CACNA1I):c.6123C>T (p.Ser2041=)

Gene: CACNA1I (calcium voltage-gated channel subunit alpha1 I; plus strand). Cytogenetic location: 22q13.1.
Variant type: single nucleotide variant.
Coding change: c.6123C>T on transcript NM_021096.4 (MANE Select); coding-DNA position 6123, C replaced by T.
Protein change: p.Ser2041=; no amino-acid change (serine 2041 retained).
Molecular consequence: synonymous variant.
Genome position (GRCh38, 1-based): chr22:39,685,856, C>T. VCF-style: chr22-39685856-C-T. GRCh37 (hg19) VCF-style: chr22-40081861-C-T.
Other names: c.6018C>T, p.Ser2006= (NM_001003406.2).
Identifiers: ClinVar variation 3898665 (VCV003898665.7).